The following is an entry in ClinVar:

ClinVar aggregate classification (germline): Uncertain significance (1 of 4 stars; one submission).

Conditions:
Dystonia 12 (DYT12). Also called: DYT-ATP1A3; Rapid-Onset Dystonia-Parkinsonism (RDP). Identifiers: Orphanet 71517, MedGen C1868681, MONDO:0007496, OMIM 128235.

Submission:

Labcorp Genetics (formerly Invitae), Labcorp
Classification: Uncertain significance for Dystonia 12. Last evaluated: 2022-12-07. Review status: criteria provided, single submitter. Criteria: Invitae Variant Classification Sherloc (09022015). Collection method: clinical testing. Allele origin: germline.
Comment: This sequence change replaces alanine, which is neutral and non-polar, with aspartic acid, which is acidic and polar, at codon 618 of the ATP1A3 protein (p.Ala618Asp). In summary, the available evidence is currently insufficient to determine the role of this variant in disease. Therefore, it has been classified as a Variant of Uncertain Significance. Advanced modeling of protein sequence and biophysical properties (such as structural, functional, and spatial information, amino acid conservation, physicochemical variation, residue mobility, and thermodynamic stability) performed at Invitae indicates that this missense variant is expected to disrupt ATP1A3 protein function. This variant has not been reported in the literature in individuals affected with ATP1A3-related conditions. This variant is not present in population databases (gnomAD no frequency).

NM_152296.5(ATP1A3):c.1853C>A (p.Ala618Asp)

Gene: ATP1A3 (ATPase Na+/K+ transporting subunit alpha 3; minus strand). Cytogenetic location: 19q13.2.
Variant type: single nucleotide variant.
Coding change: c.1853C>A on transcript NM_152296.5 (MANE Select); coding-DNA position 1853, C replaced by A.
Protein change: p.Ala618Asp; replaces alanine 618 with aspartic acid.
Molecular consequence: missense variant.
Genome position (GRCh38, 1-based): chr19:41,978,026, G>T on the plus strand (C>A on the coding strand, the complement: ATP1A3 is on the minus strand). VCF-style: chr19-41978026-G-T. GRCh37 (hg19) VCF-style: chr19-42482178-G-T.
Other names: c.1892C>A, p.Ala631Asp (NM_001256214.2); c.1886C>A, p.Ala629Asp (NM_001256213.2); short protein forms A618D, A629D, A631D.
Identifiers: ClinVar variation 2819227 (VCV002819227.3), dbSNP rs2514054115, ClinGen allele CA406045121.
Genomic context (GRCh38, chr19:41,978,026, plus strand): 5'-AGCCGGGCGGCGATGTCCTCCACAGTCTCGTTGCCCTCAGAGATGATGCCCACACCCTTG[G>T]CAATGGCCTTGGCCGTGATGGGGTGATCGCCGGTGACCATGATGACCTGCAGGCATTGTT-3'
Protein context (NP_689509.1, residues 608-628): GDHPITAKAI[Ala618Asp]KGVGIISEGN